The following is an entry in ClinVar:

ClinVar aggregate classification (germline): Likely pathogenic (1 of 4 stars; one submission).

Conditions:
Alkaptonuria (AKU). Also called: Alcaptonuria; HOMOGENTISIC ACID OXIDASE DEFICIENCY; Alkaptonuric ochronosis; Homogentisic acidura. Identifiers: Orphanet 56, MedGen C0002066, MONDO:0008753, OMIM 203500.

Submission:

Myriad Genetics, Inc.
Classification: Likely pathogenic for Alkaptonuria. Last evaluated: 2022-01-08. Review status: criteria provided, single submitter. Criteria: Myriad Women's Health Autosomal Recessive and X-Linked Classification Criteria (2021). Collection method: clinical testing. Allele origin: unknown.
Comment: NM_000187.3(HGD):c.747C>A(Y249*) is expected to be pathogenic in the context of alkaptonuria. This variant is predicted to lead to an abnormal or absent protein product due to the creation of a premature termination codon in HGD, a gene where loss-of-function variants are known to be pathogenic. Please note: this variant was assessed in the context of healthy population screening.

NM_000187.4(HGD):c.747C>A (p.Tyr249Ter)

Gene: HGD (homogentisate 1,2-dioxygenase; minus strand). Cytogenetic location: 3q13.33.
Variant type: single nucleotide variant.
Coding change: c.747C>A on transcript NM_000187.4 (MANE Select); coding-DNA position 747, C replaced by A.
Protein change: p.Tyr249Ter; replaces tyrosine 249 with a stop codon.
Molecular consequence: nonsense.
Genome position (GRCh38, 1-based): chr3:120,644,346, G>T on the plus strand (C>A on the coding strand, the complement: HGD is on the minus strand). VCF-style: chr3-120644346-G-T. GRCh37 (hg19) VCF-style: chr3-120363193-G-T.
Other names: short protein forms Y249*.
Identifiers: ClinVar variation 1723907 (VCV001723907.2), dbSNP rs2472689579, ClinGen allele CA354075020.
Genomic context (GRCh38, chr3:120,644,346, plus strand): 5'-TTCCTCCCTTGCCTGCCAACCCTTTTACTTTACCTGTTTGGCAGCAAACAGCTTGCCCTG[G>T]TATTTATTAATGACCGTGTAACCACCTGGTACTTGGCGATCCTCATACCAGGCAATGGGT-3'